The following is an entry in ClinVar:

ClinVar aggregate classification (germline): Pathogenic/Likely pathogenic. Review status: criteria provided, multiple submitters, no conflicts (2 of 4 stars). 3 submissions from 3 submitters: Pathogenic (1); Likely pathogenic (2). Last evaluated 2025-09-18.

Conditions:
Primary hyperoxaluria type 3. Also called: PH III. Identifiers: Orphanet 416, Orphanet 93600, MedGen C3150878, MONDO:0013327, OMIM 613616. Disease mechanism: loss of function.

gnomAD v4.1: 36 of 1,612,556 alleles (0.0022%); highest among the groups gnomAD compares: Non-Finnish European, 0.0029%; no homozygotes.

Submissions (3):

Natera, Inc.
Classification: Likely pathogenic for Primary hyperoxaluria type III. Last evaluated: 2025-09-18. Review status: criteria provided, single submitter. Criteria: Natera Variant Classification Schema (03/2026). Collection method: clinical testing. Allele origin: germline.
Comment: The c.733G>T variant in HOGA1 is a missense variant predicted to cause substitution of valine to phenylalanine at amino acid 245. This variant is rare in the general population with a frequency below the threshold expected for the associated phenotype(s). This variant has been observed in one or more individuals affected with the associated recessive disease, as either homozygous or compound heterozygous with a second variant (PMID: 34805638). This variant has been identified in one or more affected individual with a phenotype highly consistent with the associated gene (PMID: 34805638). Computational prediction algorithms indicate this variant is likely to affect gene or protein function. Given the available evidence, this variant is classified as Likely Pathogenic.

Labcorp Genetics (formerly Invitae), Labcorp
Classification: Pathogenic. Last evaluated: 2024-08-30. Review status: criteria provided, single submitter. Criteria: Invitae Variant Classification Sherloc (09022015). Collection method: clinical testing. Allele origin: germline.
Comment: This sequence change replaces valine, which is neutral and non-polar, with phenylalanine, which is neutral and non-polar, at codon 245 of the HOGA1 protein (p.Val245Phe). This variant is present in population databases (rs755562733, gnomAD 0.004%). This missense change has been observed in individual(s) with HOGA1-related primary hyperoxaluria type 3 (PMID: 34805638; internal data). ClinVar contains an entry for this variant (Variation ID: 1518588). Invitae Evidence Modeling of protein sequence and biophysical properties (such as structural, functional, and spatial information, amino acid conservation, physicochemical variation, residue mobility, and thermodynamic stability) indicates that this missense variant is expected to disrupt HOGA1 protein function with a positive predictive value of 95%. This variant disrupts the p.Val245 amino acid residue in HOGA1. Other variant(s) that disrupt this residue have been observed in individuals with HOGA1-related conditions (PMID: 22781098; internal data), which suggests that this may be a clinically significant amino acid residue. For these reasons, this variant has been classified as Pathogenic.

Rare Kidney Stone Consortium and the Mayo Clinic Hyperoxaluria Center, Mayo Clinic
Classification: Likely pathogenic for Primary hyperoxaluria type 3. Last evaluated: 2023-10-27. Review status: criteria provided, single submitter. Criteria: ACMG Guidelines, 2015. Collection method: clinical testing. Allele origin: germline. Affected: yes.
Comment: ACMG:PM1 PM2 PM3 PM5 PP3

Literature cited by the submitters: PubMed 34805638 (cited by 3 submitters); PubMed 22781098 (cited by Labcorp Genetics (formerly Invitae), Labcorp).

NM_138413.4(HOGA1):c.733G>T (p.Val245Phe)

Gene: HOGA1 (4-hydroxy-2-oxoglutarate aldolase 1; plus strand). Cytogenetic location: 10q24.2.
Variant type: single nucleotide variant.
Coding change: c.733G>T on transcript NM_138413.4 (MANE Select); coding-DNA position 733, G replaced by T.
Protein change: p.Val245Phe; replaces valine 245 with phenylalanine.
Molecular consequence: missense variant.
Genome position (GRCh38, 1-based): chr10:97,601,889, G>T. VCF-style: chr10-97601889-G-T. GRCh37 (hg19) VCF-style: chr10-99361646-G-T.
Other names: c.733G>T (NM_138413.3); c.244G>T, p.Val82Phe (NM_001134670.2); short protein forms V245F, V82F.
Identifiers: ClinVar variation 1518588 (VCV001518588.6), dbSNP rs755562733, ClinGen allele CA5634231.